The following is an entry in ClinVar:

ClinVar aggregate classification (germline): Pathogenic. Review status: criteria provided, multiple submitters, no conflicts (2 of 4 stars). 2 submissions from 2 submitters: Pathogenic (2). Last evaluated 2024-03-08.

Conditions:
Retinitis pigmentosa (RP). Identifiers: Orphanet 791, MedGen C0035334, MeSH D012174, MONDO:0019200, OMIM 268000. Inheritance: Autosomal dominant, autosomal recessive and X linked inheritance.
Severe early-childhood-onset retinal dystrophy (STGD1). Also called: Stargardt macular dystrophy; Juvenile onset macular degeneration; Stargardt disease 1; MACULAR DYSTROPHY WITH FLECKS, TYPE 1; STGD. Identifiers: Orphanet 364055, Orphanet 827, MedGen C1855465, MeSH D000080362, MONDO:0009549, OMIM 248200.
Age related macular degeneration 2. Also called: MACULAR DEGENERATION, SENILE; MACULOPATHY, AGE-RELATED, 2; MACULOPATHY, AGE-RELATED. Identifiers: MedGen C3495438, MONDO:0007932, OMIM 153800.
Cone-rod dystrophy 3 (CORD3). Identifiers: Orphanet 1872, MedGen C1858806, MONDO:0011395, OMIM 604116.
Retinitis pigmentosa 19 (RP19). Also called: ABCA4-Related Retinitis Pigmentosa. Identifiers: Orphanet 791, MedGen C1866422, MONDO:0011137, OMIM 601718.

Submissions (2):

Fulgent Genetics
Classification: Pathogenic for Age related macular degeneration 2; Severe early-childhood-onset retinal dystrophy; Retinitis pigmentosa 19; Cone-rod dystrophy 3. Last evaluated: 2024-03-08. Review status: criteria provided, single submitter. Criteria: ACMG Guidelines, 2015. Collection method: clinical testing. Allele origin: germline.

Women's Health and Genetics/Laboratory Corporation of America, LabCorp
Classification: Pathogenic for Retinitis pigmentosa. Last evaluated: 2024-03-07. Review status: criteria provided, single submitter. Criteria: LabCorp Variant Classification Summary - May 2015. Collection method: clinical testing. Allele origin: germline.
Comment: Variant summary: ABCA4 c.2055delC (p.Leu686X) results in a premature termination codon, predicted to cause a truncation of the encoded protein or absence of the protein due to nonsense mediated decay, which are commonly known mechanisms for disease. The variant was absent in 251224 control chromosomes. c.2055delC has been reported in the literature in individuals affected with Cone-Rod dystrophy (Huang_2016). To our knowledge, no experimental evidence demonstrating an impact on protein function has been reported. The following publication have been ascertained in the context of this evaluation (PMID: 26992781). No submitters have cited clinical-significance assessments for this variant to ClinVar. Based on the evidence outlined above, the variant was classified as pathogenic.

Literature cited by the submitters: PubMed 26992781 (cited by Women's Health and Genetics/Laboratory Corporation of America, LabCorp).

NM_000350.3(ABCA4):c.2055del (p.Thr685_Leu686insTer)

Gene: ABCA4 (ATP binding cassette subfamily A member 4; minus strand). Cytogenetic location: 1p22.1.
Variant type: Deletion.
Coding change: c.2055del on transcript NM_000350.3 (MANE Select); coding-DNA position 2055, one base deleted (C; older notation c.2055delC).
Protein change: p.Thr685_Leu686insTer.
Molecular consequence: frameshift variant. On other transcripts: nonsense (1).
Genome position (GRCh38, 1-based): chr1:94,060,642, G deleted on the plus strand (C on the coding strand, the reverse complement: ABCA4 is on the minus strand); the first of 2 consecutive G bases (chr1:94,060,642-94,060,643); deleting either gives the same sequence. VCF-style (leftmost placement, unchanged base first): chr1-94060641-AG-A. GRCh37 (hg19) VCF-style: chr1-94526197-AG-A.
Other names: c.2055delC (NM_000350.3); c.2054delC, p.Leu686Terfs (NM_001425324.1); c.2055del (NM_000350.2).
Identifiers: ClinVar variation 3233608 (VCV003233608.3), dbSNP rs2523832753, ClinGen allele CA2586966913.
Genomic context (GRCh38, chr1:94,060,641, plus strand): 5'-AGAAGCTGTCCAGGAACCAGGTACACCAAATCACTGCATTGGAGACACCCTGATTTTTCA[AG>A]GTCTCCTTCAGTCGCAACTCCTTCTCCAAGACGATGCTCTTCACAGTCATGGAGACAGAG-3'